The following is an entry in ClinVar:

NM_000199.5(SGSH):c.58G>C (p.Ala20Pro)

Gene: SGSH (N-sulfoglucosamine sulfohydrolase; minus strand). Cytogenetic location: 17q25.3.
Variant type: single nucleotide variant.
Coding change: c.58G>C on transcript NM_000199.5 (MANE Select); coding-DNA position 58, G replaced by C.
Protein change: p.Ala20Pro; replaces alanine 20 with proline.
Molecular consequence: missense variant. On other transcripts: non-coding transcript variant (1).
Genome position (GRCh38, 1-based): chr17:80,220,256, C>G on the plus strand (G>C on the coding strand, the complement: SGSH is on the minus strand). VCF-style: chr17-80220256-C-G. GRCh37 (hg19) VCF-style: chr17-78194055-C-G.
Other names: c.58G>C, p.Ala20Pro (NM_001352921.3, NM_001352922.2); short protein forms A20P.
Identifiers: ClinVar variation 1988074 (VCV001988074.4), dbSNP rs1265389382, ClinGen allele CA401365519.

ClinVar aggregate classification (germline): Uncertain significance (1 of 4 stars; one submission).

Conditions:
Mucopolysaccharidosis, MPS-III-A (MPS3A). Also called: HEPARAN SULFATE SULFATASE DEFICIENCY; SANFILIPPO SYNDROME A; SULFAMIDASE DEFICIENCY; MPS III A; Mucopolysaccharidosis type IIIA (Sanfilippo A); Mucopolysaccharidosis, type IIIA. Identifiers: Orphanet 581, Orphanet 79269, MedGen C0086647, MONDO:0009655, OMIM 252900.

Submission:

Labcorp Genetics (formerly Invitae), Labcorp
Classification: Uncertain significance for Mucopolysaccharidosis, MPS-III-A. Last evaluated: 2022-07-25. Review status: criteria provided, single submitter. Criteria: Invitae Variant Classification Sherloc (09022015). Collection method: clinical testing. Allele origin: germline.
Comment: This variant is not present in population databases (gnomAD no frequency). This sequence change replaces alanine, which is neutral and non-polar, with proline, which is neutral and non-polar, at codon 20 of the SGSH protein (p.Ala20Pro). This variant has not been reported in the literature in individuals affected with SGSH-related conditions. In summary, the available evidence is currently insufficient to determine the role of this variant in disease. Therefore, it has been classified as a Variant of Uncertain Significance. Algorithms developed to predict the effect of missense changes on protein structure and function are either unavailable or do not agree on the potential impact of this missense change (SIFT: "Deleterious"; PolyPhen-2: "Not Available"; Align-GVGD: "Class C0").